The following is an entry in ClinVar:

ClinVar aggregate classification (germline): Pathogenic (1 of 4 stars; one submission).

Conditions:
Cardiovascular phenotype. Identifiers: MedGen CN230736.

Submission:

Ambry Genetics
Classification: Pathogenic for Cardiovascular phenotype. Last evaluated: 2023-07-28. Review status: criteria provided, single submitter. Criteria: Ambry Variant Classification Scheme 2023. Collection method: clinical testing. Allele origin: germline.
Comment: The p.W304* variant (also known as c.911G>A), located in coding exon 6 of the KCNQ1 gene, results from a G to A substitution at nucleotide position 911. This changes the amino acid from a tryptophan to a stop codon within coding exon 6. This variant is considered to be rare based on population cohorts in the Genome Aggregation Database (gnomAD). This alteration is expected to result in loss of function by premature protein truncation or nonsense-mediated mRNA decay. As such, this alteration is interpreted as a disease-causing mutation.

NM_000218.3(KCNQ1):c.911G>A (p.Trp304Ter)

Gene: KCNQ1 (potassium voltage-gated channel subfamily Q member 1; plus strand). Cytogenetic location: 11p15.5.
Variant type: single nucleotide variant.
Coding change: c.911G>A on transcript NM_000218.3 (MANE Select); coding-DNA position 911, G replaced by A.
Protein change: p.Trp304Ter; replaces tryptophan 304 with a stop codon.
Molecular consequence: nonsense. On other transcripts: intron variant (1).
Genome position (GRCh38, 1-based): chr11:2,572,976, G>A. VCF-style: chr11-2572976-G-A. GRCh37 (hg19) VCF-style: chr11-2594206-G-A.
Other names: c.911G>A, p.Trp304Ter (NM_001406836.1); c.641G>A, p.Trp214Ter (NM_001406837.1); c.530G>A, p.Trp177Ter (NM_181798.2); c.478-10459G>A (NM_001406838.1); short protein forms W214*, W304*, W177*.
Identifiers: ClinVar variation 2587403 (VCV002587403.2), dbSNP rs2133733048, ClinGen allele CA379131756.